The following is an entry in ClinVar:

NM_181840.1(KCNK18):c.728C>T (p.Pro243Leu)

Gene: KCNK18 (potassium two pore domain channel subfamily K member 18; plus strand). Cytogenetic location: 10q25.3.
Variant type: single nucleotide variant.
Coding change: c.728C>T on transcript NM_181840.1 (MANE Select); coding-DNA position 728, C replaced by T.
Protein change: p.Pro243Leu; replaces proline 243 with leucine.
Molecular consequence: missense variant.
Genome position (GRCh38, 1-based): chr10:117,209,872, C>T. VCF-style: chr10-117209872-C-T. GRCh37 (hg19) VCF-style: chr10-118969383-C-T.
Other names: short protein forms P243L.
Identifiers: ClinVar variation 1315684 (VCV001315684.2), dbSNP rs751579914, ClinGen allele CA5710065.

ClinVar aggregate classification (germline): Uncertain significance (1 of 4 stars; one submission).

Allele frequency attached by ClinVar (database versions not stated): gnomAD exomes below 0.00001; ExAC 0.00001.

Submission:

GeneDx
Classification: Uncertain significance. Last evaluated: 2019-06-13. Review status: criteria provided, single submitter. Criteria: GeneDx Variant Classification Process June 2021. Collection method: clinical testing. Allele origin: germline. Affected: yes.
Comment: In silico analysis, which includes protein predictors and evolutionary conservation, supports a deleterious effect; Has not been previously published as pathogenic or benign to our knowledge